The following is an entry in ClinVar:

ClinVar aggregate classification (germline): Uncertain significance (1 of 4 stars; one submission).

Submission:

Labcorp Genetics (formerly Invitae), Labcorp
Classification: Uncertain significance. Last evaluated: 2022-02-02. Review status: criteria provided, single submitter. Criteria: Invitae Variant Classification Sherloc (09022015). Collection method: clinical testing. Allele origin: germline.
Comment: In summary, the available evidence is currently insufficient to determine the role of this variant in disease. Therefore, it has been classified as a Variant of Uncertain Significance. Algorithms developed to predict the effect of missense changes on protein structure and function are either unavailable or do not agree on the potential impact of this missense change (SIFT: "Tolerated"; PolyPhen-2: "Possibly Damaging"; Align-GVGD: "Class C0"). This variant has not been reported in the literature in individuals affected with ZNF469-related conditions. The frequency data for this variant in the population databases is considered unreliable, as metrics indicate poor data quality at this position in the gnomAD database. This sequence change replaces glycine, which is neutral and non-polar, with valine, which is neutral and non-polar, at codon 2004 of the ZNF469 protein (p.Gly2004Val).

NM_001367624.2(ZNF469):c.6095G>T (p.Gly2032Val)

Gene: ZNF469 (zinc finger protein 469; plus strand). Cytogenetic location: 16q24.2.
Variant type: single nucleotide variant.
Coding change: c.6095G>T on transcript NM_001367624.2 (MANE Select); coding-DNA position 6095, G replaced by T.
Protein change: p.Gly2032Val; replaces glycine 2032 with valine.
Molecular consequence: missense variant.
Genome position (GRCh38, 1-based): chr16:88,433,565, G>T. VCF-style: chr16-88433565-G-T. GRCh37 (hg19) VCF-style: chr16-88499973-G-T.
Other names: short protein forms G2032V.
Identifiers: ClinVar variation 1957146 (VCV001957146.5), dbSNP rs1363498031, ClinGen allele CA397103890.
Genomic context (GRCh38, chr16:88,433,565, plus strand): 5'-CGGACAACCACGCCTCAGTCAATGCCAGTCCCAAAACAGCGCTGACCGGCCCCACCGAGG[G>T]TGCAGTCCTGCTAGAGAAATGCAAGGGAAGCAGGGCAGCCATGAGCCTTCAGGAGGAGGC-3'
Protein context (NP_001354553.1, residues 2022-2042): PKTALTGPTE[Gly2032Val]AVLLEKCKGS